The following is an entry in ClinVar:

NM_001174089.2(SLC4A11):c.1167C>T (p.Ile389=)

Gene: SLC4A11 (solute carrier family 4 member 11; minus strand). Cytogenetic location: 20p13.
Variant type: single nucleotide variant.
Coding change: c.1167C>T on transcript NM_001174089.2 (MANE Select); coding-DNA position 1167, C replaced by T.
Protein change: p.Ile389=; no amino-acid change (isoleucine 389 retained).
Molecular consequence: synonymous variant. On other transcripts: non-coding transcript variant (1).
Genome position (GRCh38, 1-based): chr20:3,230,934, G>A on the plus strand (C>T on the coding strand, the complement: SLC4A11 is on the minus strand). VCF-style: chr20-3230934-G-A. GRCh37 (hg19) VCF-style: chr20-3211580-G-A.
Other names: c.1296C>T, p.Ile432= (NM_001174090.2); c.1167C>T, p.Ile389= (NM_001363745.2); c.1215C>T, p.Ile405= (NM_032034.4).
Identifiers: ClinVar variation 338248 (VCV000338248.19), dbSNP rs78274653, ClinGen allele CA9741976.

ClinVar aggregate classification (germline): Conflicting classifications of pathogenicity. Review status: criteria provided, conflicting classifications (1 of 4 stars). 6 submissions from 6 submitters: Uncertain significance (1); Benign (2); Likely benign (1). 2 of the submissions do not count toward it. Last evaluated 2026-01-28.

Conditions:
SLC4A11-related disorder. Also called: SLC4A11-related condition.
Corneal dystrophy. Identifiers: Orphanet 34533, MedGen C0010036, MONDO:0018102, HP:0001131.
Corneal dystrophy-perceptive deafness syndrome (CDPD). Also called: CORNEAL DYSTROPHY AND SENSORINEURAL DEAFNESS; HARBOYAN SYNDROME. Identifiers: Orphanet 1490, MedGen C1857572, MONDO:0009015, OMIM 217400.

Allele frequency attached by ClinVar (database versions not stated): gnomAD exomes 0.00142 and 0.00188; ExAC 0.00221; ESP Exome Variant Server 0.00354; gnomAD 0.00380 and 0.00393; TOPMed 0.00400; 1000 Genomes Project 0.00639; 1000 Genomes Project 30x 0.00671.
gnomAD v4.1: 1,758 of 965,620 alleles (0.18%); highest among the groups gnomAD compares: East Asian, 2.6%; 8 homozygotes.

Submissions (6):

Labcorp Genetics (formerly Invitae), Labcorp
Classification: Benign. Last evaluated: 2026-01-28. Review status: criteria provided, single submitter. Criteria: Invitae Variant Classification Sherloc (09022015). Collection method: clinical testing. Allele origin: germline.

Blueprint Genetics
Classification: Likely benign. Last evaluated: 2024-11-27. Review status: criteria provided, single submitter. Criteria: ACMG Guidelines, 2015. Collection method: clinical testing. Allele origin: germline.

Athena Diagnostics
Classification: Benign. Last evaluated: 2018-09-14. Review status: criteria provided, single submitter. Criteria: Athena Diagnostics Criteria. Collection method: clinical testing. Allele origin: germline.

Illumina Laboratory Services, Illumina
Classification: Uncertain significance for Corneal dystrophy. Last evaluated: 2018-01-13. Review status: criteria provided, single submitter. Criteria: ICSL Variant Classification Criteria 13 December 2019. Collection method: clinical testing. Allele origin: germline.

PreventionGenetics, part of Exact Sciences
Classification: Benign for SLC4A11-related condition. Last evaluated: 2024-05-18. Review status: no assertion criteria provided. Collection method: clinical testing. Allele origin: germline. Not counted in ClinVar's aggregate classification.
Comment: This variant is classified as benign based on ACMG/AMP sequence variant interpretation guidelines (Richards et al. 2015 PMID: 25741868, with internal and published modifications).

Natera, Inc.
Classification: Benign for Harboyan syndrome. Last evaluated: 2019-12-09. Review status: no assertion criteria provided. Collection method: clinical testing. Allele origin: germline. Not counted in ClinVar's aggregate classification.